The following is an entry in ClinVar:

ClinVar aggregate classification (germline): Pathogenic/Likely pathogenic. Review status: criteria provided, multiple submitters, no conflicts (2 of 4 stars). 2 submissions from 2 submitters: Pathogenic (1); Likely pathogenic (1). Last evaluated 2025-04-07.

Conditions:
Ataxia-telangiectasia syndrome (AT). Also called: Ataxia-telangiectasia; LOUIS-BAR SYNDROME; Ataxia-telangiectasia, complementation group D; AT, COMPLEMENTATION GROUP C; ATAXIA-TELANGIECTASIA, COMPLEMENTATION GROUP A; ATAXIA-TELANGIECTASIA, FRESNO VARIANT. Identifiers: Orphanet 100, MedGen C0004135, MONDO:0008840, OMIM 208900.
Hereditary cancer-predisposing syndrome. Also called: Tumor predisposition; Neoplastic Syndromes, Hereditary; Hereditary Cancer Syndrome; Hereditary neoplastic syndrome. Identifiers: Orphanet 140162, MedGen C0027672, MeSH D009386, MONDO:0015356.

Submissions (2):

Labcorp Genetics (formerly Invitae), Labcorp
Classification: Pathogenic for Ataxia-telangiectasia syndrome. Last evaluated: 2025-04-07. Review status: criteria provided, single submitter. Criteria: Invitae Variant Classification Sherloc (09022015). Collection method: clinical testing. Allele origin: germline.
Comment: This sequence change affects an acceptor splice site in intron 54 of the ATM gene. It is expected to disrupt RNA splicing. Variants that disrupt the donor or acceptor splice site typically lead to a loss of protein function (PMID: 16199547), and loss-of-function variants in ATM are known to be pathogenic (PMID: 23807571, 25614872). This variant is not present in population databases (gnomAD no frequency). Disruption of this splice site has been observed in individual(s) with ataxia-telangiectasia (internal data). In at least one individual the data is consistent with being in trans (on the opposite chromosome) from a pathogenic variant. ClinVar contains an entry for this variant (Variation ID: 1456820). Algorithms developed to predict the effect of sequence changes on RNA splicing suggest that this variant may disrupt the consensus splice site. For these reasons, this variant has been classified as Pathogenic.

Color Diagnostics, LLC DBA Color Health
Classification: Likely pathogenic for Hereditary cancer-predisposing syndrome. Last evaluated: 2023-10-17. Review status: criteria provided, single submitter. Criteria: ACMG Guidelines, 2015. Collection method: clinical testing. Allele origin: germline.
Comment: This variant causes a A>G nucleotide substitution at the -2 position of intron 54 of the ATM gene. Splice site prediction tools suggest that this variant may have a significant impact on RNA splicing. Although this prediction has not been confirmed in published RNA studies, this variant is expected to result in an absent or disrupted protein product. To our knowledge, functional studies have not been reported for this variant. This variant has not been reported in individuals affected with ATM-related conditions in the literature. This variant has not been identified in the general population by the Genome Aggregation Database (gnomAD). Different variants affecting the same splice donor site, c.8011-2A>C, c.8011-1G>T and c.8011-1G>C, are classified as disease-causing (ClinVar variation ID: 453716, 481329, 646046). Loss of ATM function is a known mechanism of disease. Based on the available evidence, this variant is classified as Likely Pathogenic.

Literature cited by the submitters: PubMed 16199547 (cited by Labcorp Genetics (formerly Invitae), Labcorp); PubMed 23807571 (cited by Labcorp Genetics (formerly Invitae), Labcorp); PubMed 25614872 (cited by Labcorp Genetics (formerly Invitae), Labcorp).

NM_000051.4(ATM):c.8011-2A>G

Genes: ATM (ATM serine/threonine kinase; plus strand), C11orf65 (chromosome 11 open reading frame 65; minus strand). Cytogenetic location: 11q22.3.
Variant type: single nucleotide variant.
Coding change: c.8011-2A>G on transcript NM_000051.4 (MANE Select); the canonical splice acceptor site of the intron before coding-DNA position 8011, A replaced by G.
Molecular consequence: splice acceptor variant. On other transcripts: intron variant (2).
Genome position (GRCh38, 1-based): chr11:108,334,967, A>G. VCF-style: chr11-108334967-A-G. GRCh37 (hg19) VCF-style: chr11-108205694-A-G.
Other names: c.8011-2A>G (NM_001351834.2); c.641-25896T>C (NM_001330368.2); c.*38+253T>C (NM_001351110.2).
Identifiers: ClinVar variation 1456820 (VCV001456820.7), dbSNP rs1591190908, ClinGen allele CA382561829.